The following is an entry in ClinVar:

ClinVar aggregate classification (germline): Uncertain significance (1 of 4 stars; one submission).

Conditions:
Catecholaminergic polymorphic ventricular tachycardia (CVPT). Also called: Catecholamine-induced polymorphic ventricular tachycardia. Identifiers: Orphanet 3286, MedGen C5574922, MONDO:0017990.

Submission:

All of Us Research Program, National Institutes of Health
Classification: Uncertain significance for Catecholaminergic polymorphic ventricular tachycardia. Last evaluated: 2023-08-15. Review status: criteria provided, single submitter. Criteria: ACMG Guidelines, 2015. Collection method: clinical testing. Allele origin: germline. Inheritance: Autosomal dominant inheritance. Observed: 1 variant allele, 1 heterozygote.
Comment: This missense variant replaces threonine with serine at codon 1468 of the RYR2 protein. Computational prediction suggests that this variant may not impact protein structure and function (internally defined REVEL score threshold <= 0.5, PMID: 27666373). To our knowledge, functional studies have not been reported for this variant. This variant has not been reported in individuals affected with RYR2-related disorders in the literature. This variant has not been identified in the general population by the Genome Aggregation Database (gnomAD). The available evidence is insufficient to determine the role of this variant in disease conclusively. Therefore, this variant is classified as a Variant of Uncertain Significance.

This study involves interpretation of variants in research participants for the purpose of population health screening. Participant phenotype was not available at the time of variant classification. Additional details can be found in publication PMID: 35346344, PMCID: PMC8962531

NM_001035.3(RYR2):c.4403C>G (p.Thr1468Ser)

Gene: RYR2 (ryanodine receptor 2; plus strand). Cytogenetic location: 1q43.
Variant type: single nucleotide variant.
Coding change: c.4403C>G on transcript NM_001035.3 (MANE Select); coding-DNA position 4403, C replaced by G.
Protein change: p.Thr1468Ser; replaces threonine 1468 with serine.
Molecular consequence: missense variant.
Genome position (GRCh38, 1-based): chr1:237,593,603, C>G. VCF-style: chr1-237593603-C-G. GRCh37 (hg19) VCF-style: chr1-237756903-C-G.
Other names: short protein forms T1468S.
Identifiers: ClinVar variation 3072996 (VCV003072996.1), dbSNP rs2546639131, ClinGen allele CA345399949.